The following is an entry in ClinVar:

ClinVar aggregate classification (germline): Uncertain significance. Review status: criteria provided, multiple submitters, no conflicts (2 of 4 stars). 4 submissions from 4 submitters: Uncertain significance (3). 1 of the submissions does not count toward it. Last evaluated 2024-10-15.

Conditions:
Anauxetic dysplasia. Identifiers: Orphanet 93347, MedGen C1846796, MONDO:0011773.
Metaphyseal chondrodysplasia, McKusick type (CHH). Also called: Cartilage-Hair Hypoplasia (CHH); Cartilage-hair hypoplasia. Identifiers: Orphanet 175, MedGen C0220748, MONDO:0009595, OMIM 250250.

gnomAD v4.1: 6 of 692,142 alleles (0.00087%); highest among the groups gnomAD compares: Non-Finnish European, 0.0016%; no homozygotes.

Submissions (4):

Blueprint Genetics
Classification: Uncertain significance. Last evaluated: 2024-10-15. Review status: criteria provided, single submitter. Criteria: ACMG Guidelines, 2015. Collection method: clinical testing. Allele origin: germline.

Labcorp Genetics (formerly Invitae), Labcorp
Classification: Uncertain significance for Anauxetic dysplasia. Last evaluated: 2022-02-05. Review status: criteria provided, single submitter. Criteria: Invitae Variant Classification Sherloc (09022015). Collection method: clinical testing. Allele origin: germline.
Comment: This variant occurs in the RMRP gene, which encodes an RNA molecule that does not result in a protein product. This variant is present in population databases (no rsID available, gnomAD 0.003%). This variant has been observed in individual(s) with RMRP-related disease (Invitae). In at least one individual the data is consistent with being in trans (on the opposite chromosome) from a pathogenic variant. ClinVar contains an entry for this variant (Variation ID: 653279). Experimental studies and prediction algorithms are not available or were not evaluated, and the functional significance of this variant is currently unknown. In summary, the available evidence is currently insufficient to determine the role of this variant in disease. Therefore, it has been classified as a Variant of Uncertain Significance.

Women's Health and Genetics/Laboratory Corporation of America, LabCorp
Classification: Uncertain significance. Last evaluated: 2021-04-19. Review status: criteria provided, single submitter. Criteria: LabCorp Variant Classification Summary - May 2015. Collection method: clinical testing. Allele origin: germline.
Comment: Variant summary: RMRP n.215A>G alters a nucleotide in the non-coding RNA. The variant allele was found at a frequency of 2.3e-05 in 128778 control chromosomes (gnomAD). The available data on variant occurrences in the general population are insufficient to allow any conclusion about variant significance. To our knowledge, no occurrence of n.215A>G in individuals affected with Cartilage-Hair Hypoplasia and no experimental evidence demonstrating its impact on protein function have been reported. Two ClinVar submitters (evaluation after 2014) cite the variant as uncertain significance. Based on the evidence outlined above, the variant was classified as uncertain significance.

Natera, Inc.
Classification: Uncertain significance for Cartilage-hair hypoplasia. Last evaluated: 2020-09-16. Review status: no assertion criteria provided. Collection method: clinical testing. Allele origin: germline. Not counted in ClinVar's aggregate classification.

Literature cited by the submitters: PubMed 23315997 (cited by Women's Health and Genetics/Laboratory Corporation of America, LabCorp).

NR_003051.4(RMRP):n.216A>G

Gene: RMRP (RNA component of mitochondrial RNA processing endoribonuclease; minus strand). Cytogenetic location: 9p13.3.
Variant type: single nucleotide variant.
Genome position: GRCh38 VCF-style: chr9-35657804-T-C. GRCh37 (hg19) VCF-style: chr9-35657801-T-C.
Identifiers: ClinVar variation 653279 (VCV000653279.8), dbSNP rs886041234, ClinGen allele CA464450499.
Genomic context (GRCh38, chr9:35,657,804, plus strand): 5'-ACAAAAAACAGCCGCGCTGAGAATGAGCCCCGTGTGGTTGGTGCGCGGACACGCACTGCC[T>C]GCGTAACTAGAGGGAGCTGACGGATGACGCCCCCGCGCCACGCCGCTCAGCGGGATACGC-3'